The following is an entry in ClinVar:

ClinVar aggregate classification (germline): Pathogenic (1 of 4 stars; one submission).

Conditions:
Methylmalonic aciduria, cblA type (MACA). Also called: Methylmalonic aciduria, vitamin b12-responsive, due to defect in synthesis of adenosylcobalamin, cbla complementation type; MMA cbl A type; Methylmalonic acidemia cblA type; Vitamin B12-responsive methylmalonic acidemia type cblA; Methylmalonic aciduria, vitamin B12-responsive. Identifiers: Orphanet 28, Orphanet 79310, MedGen C1855109, MONDO:0009613, OMIM 251100.

Submission:

Labcorp Genetics (formerly Invitae), Labcorp
Classification: Pathogenic for Methylmalonic aciduria, cblA type. Last evaluated: 2024-05-22. Review status: criteria provided, single submitter. Criteria: Invitae Variant Classification Sherloc (09022015). Collection method: clinical testing. Allele origin: germline.
Comment: This sequence change creates a premature translational stop signal (p.Lys62Glufs*18) in the MMAA gene. It is expected to result in an absent or disrupted protein product. Loss-of-function variants in MMAA are known to be pathogenic (PMID: 15523652, 15781192). This variant is not present in population databases (gnomAD no frequency). This variant has not been reported in the literature in individuals affected with MMAA-related conditions. ClinVar contains an entry for this variant (Variation ID: 2057282). For these reasons, this variant has been classified as Pathogenic.

Literature cited by the submitters: PubMed 15523652; PubMed 15781192.

NM_172250.3(MMAA):c.184_185del (p.Lys62fs)

Gene: MMAA (metabolism of cobalamin associated A; plus strand). Cytogenetic location: 4q31.21.
Variant type: Deletion.
Coding change: c.184_185del on transcript NM_172250.3 (MANE Select); coding-DNA positions 184 to 185, 2 bases deleted (AA; older notation c.184_185delAA).
Protein change: p.Lys62fs; shifts the reading frame from lysine 62.
Molecular consequence: frameshift variant.
Genome position (GRCh38, 1-based): chr4:145,639,323-145,639,324, AA deleted; deleting any 2 consecutive bases within chr4:145,639,322-145,639,324 gives the same sequence; the c. name uses the placement nearest the transcript's 3' end. VCF-style (leftmost placement, unchanged base first): chr4-145639321-TAA-T. GRCh37 (hg19) VCF-style: chr4-146560473-TAA-T.
Other names: c.184_185del, p.Lys62fs (NM_001375644.1); short protein forms K62fs.
Identifiers: ClinVar variation 2057282 (VCV002057282.4), dbSNP rs2546335552, ClinGen allele CA2580071567.